The following is an entry in ClinVar:

ClinVar aggregate classification (germline): Conflicting classifications of pathogenicity. Review status: criteria provided, conflicting classifications (1 of 4 stars). 5 submissions from 5 submitters: Uncertain significance (4); Likely benign (1). Last evaluated 2025-04-08.

Conditions:
Ehlers-Danlos syndrome, type 4 (EDSVASC). Also called: Ehlers-Danlos syndrome vascular type; Ehlers Danlos syndrome, ecchymotic type; Ehlers Danlos syndrome, arterial type; Ehlers Danlos syndrome, Sack-Barabas type; Ehlers-Danlos Syndrome Type IV. Identifiers: Orphanet 286, MedGen C0268338, MONDO:0017314, OMIM 130050.
Familial thoracic aortic aneurysm and aortic dissection (TAAD). Also called: Thoracic aortic aneurysms and dissections. Identifiers: Orphanet 91387, MedGen C4707243, MONDO:0019625.

Allele frequency attached by ClinVar (database versions not stated): TOPMed 0.00001; ESP Exome Variant Server 0.00008.

Submissions (5):

Labcorp Genetics (formerly Invitae), Labcorp
Classification: Uncertain significance for Ehlers-Danlos syndrome, type 4. Last evaluated: 2025-04-08. Review status: criteria provided, single submitter. Criteria: Invitae Variant Classification Sherloc (09022015). Collection method: clinical testing. Allele origin: germline.
Comment: This sequence change replaces arginine, which is basic and polar, with histidine, which is basic and polar, at codon 992 of the COL3A1 protein (p.Arg992His). This variant is not present in population databases (gnomAD no frequency). This variant has not been reported in the literature in individuals affected with COL3A1-related conditions. ClinVar contains an entry for this variant (Variation ID: 547270). Invitae Evidence Modeling of protein sequence and biophysical properties (such as structural, functional, and spatial information, amino acid conservation, physicochemical variation, residue mobility, and thermodynamic stability) has been performed for this missense variant. However, the output from this modeling did not meet the statistical confidence thresholds required to predict the impact of this variant on COL3A1 protein function. In summary, the available evidence is currently insufficient to determine the role of this variant in disease. Therefore, it has been classified as a Variant of Uncertain Significance.

All of Us Research Program, National Institutes of Health
Classification: Uncertain significance for Ehlers-Danlos syndrome, type 4. Last evaluated: 2024-04-25. Review status: criteria provided, single submitter. Criteria: ACMG Guidelines, 2015. Collection method: clinical testing. Allele origin: germline. Inheritance: Autosomal dominant inheritance. Observed: 3 variant alleles, 3 heterozygotes.
Comment: This missense variant replaces arginine with histidine at codon 992 of the COL3A1 protein. Computational prediction tools and conservation analyses suggest that this variant may have deleterious impact on the protein function. Computational splicing tools suggest that this variant may not impact RNA splicing. To our knowledge, functional assays have not been performed for this variant nor has this variant been reported in individuals affected with cardiovascular disorders in the literature. This variant has not been identified in the general population by the Genome Aggregation Database (gnomAD). Available evidence is insufficient to determine the role of this variant in disease conclusively. Therefore, this variant is classified as a Variant of Uncertain Significance.

This study involves interpretation of variants in research participants for the purpose of population health screening. Participant phenotype was not available at the time of variant classification. Additional details can be found in publication PMID: 35346344, PMCID: PMC8962531

Color Diagnostics, LLC DBA Color Health
Classification: Uncertain significance for Familial thoracic aortic aneurysm and aortic dissection. Last evaluated: 2024-04-12. Review status: criteria provided, single submitter. Criteria: ACMG Guidelines, 2015. Collection method: clinical testing. Allele origin: germline.
Comment: This missense variant replaces arginine with histidine at codon 992 of the COL3A1 protein. Computational prediction tools indicate that this variant has a deleterious impact on protein structure and function. To our knowledge, functional studies have not been reported for this variant. This variant has not been reported in individuals affected with COL3A1-related disorders in the literature. This variant has not been identified in the general population by the Genome Aggregation Database (gnomAD). The available evidence is insufficient to determine the role of this variant in disease conclusively. Therefore, this variant is classified as a Variant of Uncertain Significance.

GeneDx
Classification: Uncertain significance. Last evaluated: 2020-01-24. Review status: criteria provided, single submitter. Criteria: GeneDx Variant Classification Process June 2021. Collection method: clinical testing. Allele origin: germline. Affected: yes.
Comment: Has not been previously published as pathogenic or benign to our knowledge; Reported in ClinVar (ClinVar Variant ID# 547270; Landrum et al., 2016); In silico analysis, which includes protein predictors and evolutionary conservation, supports a deleterious effect; Occurs in the triple helical domain at the Y position in the canonical Gly-X-Y repeat; although this variant may have an effect on normal protein folding and function, missense substitution at the Y position is not a common mechanism of disease (Stenson et al., 2014)

Center for Human Genetics, Inc
Classification: Likely benign for Ehlers-Danlos syndrome, type 4. Last evaluated: 2016-11-01. Review status: criteria provided, single submitter. Criteria: ACMG Guidelines, 2015. Collection method: clinical testing. Allele origin: germline. Affected: yes.

NM_000090.4(COL3A1):c.2975G>A (p.Arg992His)

Gene: COL3A1 (collagen type III alpha 1 chain; plus strand). Cytogenetic location: 2q32.2.
Variant type: single nucleotide variant.
Coding change: c.2975G>A on transcript NM_000090.4 (MANE Select); coding-DNA position 2975, G replaced by A.
Protein change: p.Arg992His; replaces arginine 992 with histidine.
Molecular consequence: missense variant.
Genome position (GRCh38, 1-based): chr2:189,005,393, G>A. VCF-style: chr2-189005393-G-A. GRCh37 (hg19) VCF-style: chr2-189870119-G-A.
Other names: short protein forms R992H.
Identifiers: ClinVar variation 547270 (VCV000547270.14), dbSNP rs374527092, ClinGen allele CA62558409.
Genomic context (GRCh38, chr2:189,005,393, plus strand): 5'-CATTCCTTTGTATACAGGGTGAAAGTGGGAAACCAGGAGCTAACGGTCTCAGTGGAGAAC[G>A]TGGTCCCCCTGGACCCCAGGGTCTTCCTGGTCTGGCTGGTACAGCTGGTGAACCTGGAAG-3'
Protein context (NP_000081.2, residues 982-1002): KPGANGLSGE[Arg992His]GPPGPQGLPG